The following is an entry in ClinVar:

NM_001267550.2(TTN):c.96336G>T (p.Val32112=)

Genes: TTN (titin; minus strand), TTN-AS1 (TTN antisense RNA 1; plus strand), LOC126806421 (CDK7 strongly-dependent group 2 enhancer GRCh37_chr2:179407630-179408829; plus strand). Cytogenetic location: 2q31.2.
Variant type: single nucleotide variant.
Coding change: c.96336G>T on transcript NM_001267550.2 (MANE Select); coding-DNA position 96336, G replaced by T.
Protein change: p.Val32112=; no amino-acid change (valine 32112 retained).
Molecular consequence: synonymous variant.
Genome position (GRCh38, 1-based): chr2:178,543,637, C>A on the plus strand (G>T on the coding strand, the complement: TTN is on the minus strand). VCF-style: chr2-178543637-C-A. GRCh37 (hg19) VCF-style: chr2-179408364-C-A.
Other names: c.91413G>T, p.Val30471= (NM_001256850.1); c.69141G>T, p.Val23047= (NM_003319.4); c.88632G>T, p.Val29544= (NM_133378.4); c.69516G>T, p.Val23172= (NM_133432.3); c.69717G>T, p.Val23239= (NM_133437.4).
Identifiers: ClinVar variation 697835 (VCV000697835.15), dbSNP rs964067201, ClinGen allele CA430241426.
Genomic context (GRCh38, chr2:178,543,637, plus strand): 5'-ATCAATCGTGGGAATTTCCCAAGTTATAGTCACAGAATCTCTTGATACTTCCTTAACTTT[C>A]ACTGAAGGACAGGGACCAGGAGTATCTGAAAAACAGAATGAAAGATTCATATTTCCTATT-3'
Protein context (NP_001254479.2, residues 32102-32122): VYDTPGPCPS[Val32112=]KVKEVSRDSV

ClinVar aggregate classification (germline): Likely benign. Review status: criteria provided, multiple submitters, no conflicts (2 of 4 stars). 4 submissions from 4 submitters: Likely benign (4). Last evaluated 2026-05-26.

Conditions:
Cardiovascular phenotype. Identifiers: MedGen CN230736.
TTN-related disorder. Also called: TTN-related disorders; TTN-related condition; TTN-related disease.
Dilated cardiomyopathy 1G (CMD1G). Identifiers: Orphanet 154, MedGen C1858763, MONDO:0011400, OMIM 604145.
Autosomal recessive limb-girdle muscular dystrophy type 2J (LGMDR10). Also called: MUSCULAR DYSTROPHY, LIMB-GIRDLE, AUTOSOMAL RECESSIVE 10; Limb-girdle muscular dystrophy, type 2J. Identifiers: Orphanet 140922, MedGen C1837342, MONDO:0012127, OMIM 608807.

Allele frequency attached by ClinVar (database versions not stated): gnomAD 0.00001.

Submissions (4):

PreventionGenetics, part of Exact Sciences
Classification: Likely benign for TTN-related condition. Last evaluated: 2026-05-26. Review status: criteria provided, single submitter. Criteria: ACMG Guidelines, 2015. Collection method: clinical testing. Allele origin: germline.
Comment: This variant is classified as likely benign based on ACMG/AMP sequence variant interpretation guidelines (Richards et al. 2015 PMID: 25741868, with internal and published modifications).

Women's Health and Genetics/Laboratory Corporation of America, LabCorp
Classification: Likely benign. Last evaluated: 2025-12-23. Review status: criteria provided, single submitter. Criteria: LabCorp Variant Classification Summary - May 2015. Collection method: clinical testing. Allele origin: germline.

Labcorp Genetics (formerly Invitae), Labcorp
Classification: Likely benign for Dilated cardiomyopathy 1G; Autosomal recessive limb-girdle muscular dystrophy type 2J. Last evaluated: 2025-06-25. Review status: criteria provided, single submitter. Criteria: Invitae Variant Classification Sherloc (09022015). Collection method: clinical testing. Allele origin: germline.

Ambry Genetics
Classification: Likely benign for Cardiovascular phenotype. Last evaluated: 2021-12-07. Review status: criteria provided, single submitter. Criteria: Ambry Variant Classification Scheme 2023. Collection method: clinical testing. Allele origin: germline.